The following is an entry in ClinVar:

ClinVar aggregate classification (germline): Uncertain significance (1 of 4 stars; one submission).

Allele frequency attached by ClinVar (database versions not stated): gnomAD 0.00001; gnomAD exomes 0.00001; TOPMed 0.00001; ExAC 0.00003.
gnomAD v4.1: 23 of 1,578,806 alleles (0.0015%); highest among the groups gnomAD compares: East Asian, 0.012%; no homozygotes.

Submission:

Labcorp Genetics (formerly Invitae), Labcorp
Classification: Uncertain significance. Last evaluated: 2022-08-20. Review status: criteria provided, single submitter. Criteria: Invitae Variant Classification Sherloc (09022015). Collection method: clinical testing. Allele origin: germline.
Comment: This sequence change replaces lysine, which is basic and polar, with arginine, which is basic and polar, at codon 813 of the LIG1 protein (p.Lys813Arg). This variant is present in population databases (rs753212509, gnomAD 0.09%). This variant has not been reported in the literature in individuals affected with LIG1-related conditions. Algorithms developed to predict the effect of missense changes on protein structure and function (SIFT, PolyPhen-2, Align-GVGD) all suggest that this variant is likely to be tolerated. In summary, the available evidence is currently insufficient to determine the role of this variant in disease. Therefore, it has been classified as a Variant of Uncertain Significance.

NM_000234.3(LIG1):c.2438A>G (p.Lys813Arg)

Gene: LIG1 (DNA ligase 1; minus strand). Cytogenetic location: 19q13.33.
Variant type: single nucleotide variant.
Coding change: c.2438A>G on transcript NM_000234.3 (MANE Select); coding-DNA position 2438, A replaced by G.
Protein change: p.Lys813Arg; replaces lysine 813 with arginine.
Molecular consequence: missense variant. On other transcripts: non-coding transcript variant (6).
Genome position (GRCh38, 1-based): chr19:48,119,138, T>C on the plus strand (A>G on the coding strand, the complement: LIG1 is on the minus strand). VCF-style: chr19-48119138-T-C. GRCh37 (hg19) VCF-style: chr19-48622395-T-C.
Other names: c.2345A>G, p.Lys782Arg (NM_001289063.2); c.2234A>G, p.Lys745Arg (NM_001289064.2); c.2435A>G, p.Lys812Arg (NM_001320970.2); c.2348A>G, p.Lys783Arg (NM_001320971.2); short protein forms K783R, K812R, K745R, K782R, K813R.
Identifiers: ClinVar variation 1906353 (VCV001906353.2), dbSNP rs753212509, ClinGen allele CA9546418.
Genomic context (GRCh38, chr19:48,119,138, plus strand): 5'-GTGCTGTCAGGGGCAGGGGGGAGAGGGGTGGAGGCTGAGGCGCAGCCGCCATGGCTCACC[T>C]TGAGGCTCTGGTGATGCTCCTCCAGCTCCTCATCACTGAAGCCAGTTCCAAGCTGCAGGG-3'
Protein context (NP_000225.1, residues 803-823): EELEEHHQSL[Lys813Arg]ALVLPSPRPY